The following is an entry in ClinVar:

ClinVar aggregate classification (germline): Uncertain significance. Review status: criteria provided, multiple submitters, no conflicts (2 of 4 stars). 3 submissions from 3 submitters: Uncertain significance (3). Last evaluated 2024-03-18.

Conditions:
Inborn genetic diseases. Identifiers: MedGen C0950123, MeSH D030342.
Microcephaly 3, primary, autosomal recessive. Identifiers: Orphanet 2512, MedGen C1858108, MONDO:0011488, OMIM 604804.

Allele frequency attached by ClinVar (database versions not stated): gnomAD exomes 0.00002 and 0.00004; ExAC 0.00007; TOPMed 0.00028; gnomAD 0.00029; ESP Exome Variant Server 0.00031.
gnomAD v4.1: 79 of 1,613,956 alleles (0.0049%); highest among the groups gnomAD compares: African/African-American, 0.089%; 1 homozygote.

Submissions (3):

Ambry Genetics
Classification: Uncertain significance for Inborn genetic diseases. Last evaluated: 2024-03-18. Review status: criteria provided, single submitter. Criteria: Ambry Variant Classification Scheme 2023. Collection method: clinical testing. Allele origin: germline.

GeneDx
Classification: Uncertain significance. Last evaluated: 2020-02-03. Review status: criteria provided, single submitter. Criteria: GeneDx Variant Classification Process June 2021. Collection method: clinical testing. Allele origin: germline. Affected: yes.
Comment: In silico analysis supports that this missense variant does not alter protein structure/function; Has not been previously published as pathogenic or benign to our knowledge

Illumina Laboratory Services, Illumina
Classification: Uncertain significance for Microcephaly 3, primary, autosomal recessive. Last evaluated: 2018-01-13. Review status: criteria provided, single submitter. Criteria: ICSL Variant Classification Criteria 13 December 2019. Collection method: clinical testing. Allele origin: germline.

NM_018249.6(CDK5RAP2):c.1072G>A (p.Ala358Thr)

Gene: CDK5RAP2 (CDK5 regulatory subunit associated protein 2; minus strand). Cytogenetic location: 9q33.2.
Variant type: single nucleotide variant.
Coding change: c.1072G>A on transcript NM_018249.6 (MANE Select); coding-DNA position 1072, G replaced by A.
Protein change: p.Ala358Thr; replaces alanine 358 with threonine.
Molecular consequence: missense variant. On other transcripts: non-coding transcript variant (5).
Genome position (GRCh38, 1-based): chr9:120,525,006, C>T on the plus strand (G>A on the coding strand, the complement: CDK5RAP2 is on the minus strand). VCF-style: chr9-120525006-C-T. GRCh37 (hg19) VCF-style: chr9-123287284-C-T.
Other names: c.1072G>A, p.Ala358Thr (NM_001011649.3, NM_001272039.2); short protein forms A358T.
Identifiers: ClinVar variation 364778 (VCV000364778.7), dbSNP rs138995980, ClinGen allele CA5214515.